The following is an entry in ClinVar:

ClinVar aggregate classification (germline): Uncertain significance (1 of 4 stars; one submission).

Conditions:
Progressive myoclonic epilepsy. Also called: Familial progressive myoclonic epilepsy; Myoclonic Epilepsies, Progressive; Myoclonus epilepsy; Progressive myoclonus epilepsy. Identifiers: Orphanet 308, Orphanet 98261, MedGen C0751778, MONDO:0020074.

Allele frequency attached by ClinVar (database versions not stated): TOPMed below 0.00001.

Submission:

Labcorp Genetics (formerly Invitae), Labcorp
Classification: Uncertain significance for Progressive myoclonic epilepsy. Last evaluated: 2024-12-09. Review status: criteria provided, single submitter. Criteria: Invitae Variant Classification Sherloc (09022015). Collection method: clinical testing. Allele origin: germline.
Comment: This sequence change replaces aspartic acid, which is acidic and polar, with glycine, which is neutral and non-polar, at codon 149 of the GOSR2 protein (p.Asp149Gly). This variant is not present in population databases (gnomAD no frequency). This variant has not been reported in the literature in individuals affected with GOSR2-related conditions. ClinVar contains an entry for this variant (Variation ID: 1345914). An algorithm developed to predict the effect of missense changes on protein structure and function (PolyPhen-2) suggests that this variant is likely to be disruptive. In summary, the available evidence is currently insufficient to determine the role of this variant in disease. Therefore, it has been classified as a Variant of Uncertain Significance.

NM_004287.5(GOSR2):c.446A>G (p.Asp149Gly)

Genes: GOSR2 (golgi SNAP receptor complex member 2; plus strand), LRRC37A2 (leucine rich repeat containing 37 member A2). Cytogenetic location: 17q21.32.
Variant type: single nucleotide variant.
Coding change: c.446A>G on transcript NM_004287.5 (MANE Select); coding-DNA position 446, A replaced by G.
Protein change: p.Asp149Gly; replaces aspartic acid 149 with glycine.
Molecular consequence: missense variant. On other transcripts: non-coding transcript variant (1), intron variant (4).
Genome position (GRCh38, 1-based): chr17:46,935,138, A>G. VCF-style: chr17-46935138-A-G. GRCh37 (hg19) VCF-style: chr17-45012504-A-G.
Other names: c.446A>G, p.Asp149Gly (NM_001012511.3, NM_001321133.2, NM_054022.4); c.443A>G, p.Asp148Gly (NM_001353114.2); c.392A>G, p.Asp131Gly (NM_001363851.2); c.282+2939A>G (NM_001321134.2); c.336+2939A>G (NM_001330252.2); c.333+2939A>G (NM_001353115.2, NM_001353116.2); short protein forms D131G, D149G, D148G.
Identifiers: ClinVar variation 1345914 (VCV001345914.8), dbSNP rs2088083666, ClinGen allele CA400018333.